The following is an entry in ClinVar:

ClinVar aggregate classification (germline): Uncertain significance (1 of 4 stars; one submission).

Submission:

Labcorp Genetics (formerly Invitae), Labcorp
Classification: Uncertain significance. Last evaluated: 2023-03-17. Review status: criteria provided, single submitter. Criteria: Invitae Variant Classification Sherloc (09022015). Collection method: clinical testing. Allele origin: germline.
Comment: This variant has not been reported in the literature in individuals affected with TRIM8-related conditions. In summary, the available evidence is currently insufficient to determine the role of this variant in disease. Therefore, it has been classified as a Variant of Uncertain Significance. Algorithms developed to predict the effect of sequence changes on RNA splicing suggest that this variant may create or strengthen a splice site. An algorithm developed to predict the effect of missense changes on protein structure and function (PolyPhen-2) suggests that this variant is likely to be disruptive. This variant is not present in population databases (gnomAD no frequency). This sequence change replaces glycine, which is neutral and non-polar, with valine, which is neutral and non-polar, at codon 176 of the TRIM8 protein (p.Gly176Val).

NM_030912.3(TRIM8):c.527G>T (p.Gly176Val)

Gene: TRIM8 (tripartite motif containing 8; plus strand). Cytogenetic location: 10q24.32.
Variant type: single nucleotide variant.
Coding change: c.527G>T on transcript NM_030912.3 (MANE Select); coding-DNA position 527, G replaced by T.
Protein change: p.Gly176Val; replaces glycine 176 with valine.
Molecular consequence: missense variant. On other transcripts: non-coding transcript variant (1).
Genome position (GRCh38, 1-based): chr10:102,645,144, G>T. VCF-style: chr10-102645144-G-T. GRCh37 (hg19) VCF-style: chr10-104404901-G-T.
Other names: c.527G>T, p.Gly176Val (NM_001345950.1); short protein forms G176V.
Identifiers: ClinVar variation 2846656 (VCV002846656.3), dbSNP rs2492888520, ClinGen allele CA377925921.